The following is an entry in ClinVar:

ClinVar aggregate classification (germline): Likely benign (1 of 4 stars; one submission).

Allele frequency attached by ClinVar (database versions not stated): 1000 Genomes Project 0.00060; 1000 Genomes Project 30x 0.00094; gnomAD 0.00208 and 0.00212; TOPMed 0.00212; gnomAD exomes 0.00290.
gnomAD v4.1: 1,026 of 398,708 alleles (0.26%); highest among the groups gnomAD compares: Admixed American, 0.33%; 4 homozygotes.

Submission:

CeGaT Center for Human Genetics Tuebingen
Classification: Likely benign. Last evaluated: 2026-09-01. Review status: criteria provided, single submitter. Criteria: CeGaT Center For Human Genetics Tuebingen Variant Classification Criteria Version 2. Collection method: clinical testing. Allele origin: germline. Affected: yes. Observed: 40 variant alleles.
Comment: KCNQ1OT1: BS2

NM_000218.3(KCNQ1):c.1514+9977C>G

Genes: KCNQ1 (potassium voltage-gated channel subfamily Q member 1; plus strand), KCNQ1OT1 (KCNQ1 opposite strand/antisense transcript 1; minus strand). Cytogenetic location: 11p15.5.
Variant type: single nucleotide variant.
Coding change: c.1514+9977C>G on transcript NM_000218.3 (MANE Select); 9977 bases into the intron after coding-DNA position 1514, C replaced by G.
Molecular consequence: intron variant.
Genome position (GRCh38, 1-based): chr11:2,672,058, C>G. VCF-style: chr11-2672058-C-G. GRCh37 (hg19) VCF-style: chr11-2693288-C-G.
Other names: c.1244+9977C>G (NM_001406837.1); c.1418+9977C>G (NM_001406836.1); c.974+9977C>G (NM_001406838.1); c.1133+9977C>G (NM_181798.2).
Identifiers: ClinVar variation 1694619 (VCV001694619.31), dbSNP rs542085421, ClinGen allele CA216178467.